The following is an entry in ClinVar:

ClinVar aggregate classification (germline): Conflicting classifications of pathogenicity. Review status: criteria provided, conflicting classifications (1 of 4 stars). 4 submissions from 4 submitters: Uncertain significance (1); Likely benign (3). Last evaluated 2026-01-21.

Conditions:
DYNC1H1-related disorder. Also called: DYNC1H1-related condition; DYNC1H1-related disorders. Identifiers: MedGen CN381529.
Charcot-Marie-Tooth disease axonal type 2O. Also called: Charcot-Marie-Tooth Neuropathy Type 2O; CHARCOT-MARIE-TOOTH NEUROPATHY, AXONAL, TYPE 2O; CHARCOT-MARIE-TOOTH DISEASE, AXONAL, AUTOSOMAL DOMINANT, TYPE 2O; Charcot-Marie-Tooth disease, axonal, type 20. Identifiers: Orphanet 284232, MedGen C3280220, MONDO:0013644, OMIM 614228.
Inborn genetic diseases. Identifiers: MedGen C0950123, MeSH D030342.

Allele frequency attached by ClinVar (database versions not stated): gnomAD exomes 0.00002 and 0.00004; TOPMed 0.00002; ExAC 0.00004; gnomAD 0.00004 and 0.00005; ESP Exome Variant Server 0.00008.
gnomAD v4.1: 32 of 1,614,078 alleles (0.002%); highest among the groups gnomAD compares: Middle Eastern, 0.016%; no homozygotes.

Submissions (4):

Labcorp Genetics (formerly Invitae), Labcorp
Classification: Uncertain significance for Charcot-Marie-Tooth disease axonal type 2O. Last evaluated: 2026-01-21. Review status: criteria provided, single submitter. Criteria: Invitae Variant Classification Sherloc (09022015). Collection method: clinical testing. Allele origin: germline.
Comment: This sequence change falls in intron 47 of the DYNC1H1 gene. It does not directly change the encoded amino acid sequence of the DYNC1H1 protein. It affects a nucleotide within the consensus splice site. This variant is present in population databases (rs200144865, gnomAD 0.01%). This variant has been observed in individual(s) with Charcot-Marie-Tooth disease (PMID: 31372974). ClinVar contains an entry for this variant (Variation ID: 539781). Variants that disrupt the consensus splice site are a relatively common cause of aberrant splicing (PMID: 17576681, 9536098). Algorithms developed to predict the effect of sequence changes on RNA splicing suggest that this variant is not likely to affect RNA splicing. In summary, the available evidence is currently insufficient to determine the role of this variant in disease. Therefore, it has been classified as a Variant of Uncertain Significance.

PreventionGenetics, part of Exact Sciences
Classification: Likely benign for DYNC1H1-related condition. Last evaluated: 2025-08-18. Review status: criteria provided, single submitter. Criteria: ACMG Guidelines, 2015. Collection method: clinical testing. Allele origin: germline.
Comment: This variant is classified as likely benign based on ACMG/AMP sequence variant interpretation guidelines (Richards et al. 2015 PMID: 25741868, with internal and published modifications).

CeGaT Center for Human Genetics Tuebingen
Classification: Likely benign. Last evaluated: 2024-04-01. Review status: criteria provided, single submitter. Criteria: CeGaT Center For Human Genetics Tuebingen Variant Classification Criteria Version 2. Collection method: clinical testing. Allele origin: germline. Affected: yes. Observed: 1 variant allele.
Comment: DYNC1H1: BP4

Ambry Genetics
Classification: Likely benign for Inborn genetic diseases. Last evaluated: 2020-07-06. Review status: criteria provided, single submitter. Criteria: Ambry Variant Classification Scheme 2023. Collection method: clinical testing. Allele origin: germline.

Literature cited by the submitters: PubMed 31372974 (cited by Labcorp Genetics (formerly Invitae), Labcorp); PubMed 17576681 (cited by Labcorp Genetics (formerly Invitae), Labcorp); PubMed 9536098 (cited by Labcorp Genetics (formerly Invitae), Labcorp).

NM_001376.5(DYNC1H1):c.9263+5G>A

Genes: DYNC1H1 (dynein cytoplasmic 1 heavy chain 1; plus strand), LOC126862060 (BRD4-independent group 4 enhancer GRCh37_chr14:102493659-102494858; plus strand). Cytogenetic location: 14q32.31.
Variant type: single nucleotide variant.
Coding change: c.9263+5G>A on transcript NM_001376.5 (MANE Select); 5 bases into the intron after coding-DNA position 9263, G replaced by A.
Molecular consequence: intron variant.
Genome position (GRCh38, 1-based): chr14:102,027,838, G>A. VCF-style: chr14-102027838-G-A. GRCh37 (hg19) VCF-style: chr14-102494175-G-A.
Identifiers: ClinVar variation 539781 (VCV000539781.33), dbSNP rs200144865, ClinGen allele CA7353185.